The following is an entry in ClinVar:

NM_001379029.1(CERT1):c.769G>C (p.Ala257Pro)

Gene: CERT1 (ceramide transporter 1; minus strand). Cytogenetic location: 5q13.3.
Variant type: single nucleotide variant.
Coding change: c.769G>C on transcript NM_001379029.1 (MANE Select); coding-DNA position 769, G replaced by C.
Protein change: p.Ala257Pro; replaces alanine 257 with proline.
Molecular consequence: missense variant.
Genome position (GRCh38, 1-based): chr5:75,416,944, C>G on the plus strand (G>C on the coding strand, the complement: CERT1 is on the minus strand). VCF-style: chr5-75416944-C-G. GRCh37 (hg19) VCF-style: chr5-74712769-C-G.
Other names: c.1153G>C, p.Ala385Pro (NM_001130105.1); c.769G>C, p.Ala257Pro (NM_001379002.1, NM_001379003.1, NM_001379004.1 and 2 more transcripts); short protein forms A257P, A385P.
Identifiers: ClinVar variation 2442565 (VCV002442565.1), dbSNP rs2479084258, ClinGen allele CA360131677.

ClinVar aggregate classification (germline): Uncertain significance (1 of 4 stars; one submission).

Submission:

GeneDx
Classification: Uncertain significance. Last evaluated: 2022-09-06. Review status: criteria provided, single submitter. Criteria: GeneDx Variant Classification Process June 2021. Collection method: clinical testing. Allele origin: germline. Affected: yes.
Comment: Not observed at significant frequency in large population cohorts (gnomAD); In silico analysis supports that this missense variant does not alter protein structure/function; Has not been previously published as pathogenic or benign to our knowledge